The following is an entry in ClinVar:

NM_006947.4(SRP72):c.1066A>C (p.Lys356Gln)

Gene: SRP72 (signal recognition particle 72; plus strand). Cytogenetic location: 4q12.
Variant type: single nucleotide variant.
Coding change: c.1066A>C on transcript NM_006947.4 (MANE Select); coding-DNA position 1066, A replaced by C.
Protein change: p.Lys356Gln; replaces lysine 356 with glutamine.
Molecular consequence: missense variant. On other transcripts: non-coding transcript variant (1).
Genome position (GRCh38, 1-based): chr4:56,484,844, A>C. VCF-style: chr4-56484844-A-C. GRCh37 (hg19) VCF-style: chr4-57351010-A-C.
Other names: c.883A>C, p.Lys295Gln (NM_001267722.2); short protein forms K295Q, K356Q.
Identifiers: ClinVar variation 4865155 (VCV004865155.1).

ClinVar aggregate classification (germline): Uncertain significance (1 of 4 stars; one submission).

gnomAD v4.1: 1 of 1,612,884 alleles (0.000062%); highest among the groups gnomAD compares: Admixed American, 0.0017%; no homozygotes.

Submission:

Ambry Genetics
Classification: Uncertain significance. Last evaluated: 2026-06-01. Review status: criteria provided, single submitter. Criteria: Ambry Variant Classification Scheme 2023. Collection method: clinical testing. Allele origin: germline.
Comment: The p.K356Q variant (also known as c.1066A>C), located in coding exon 10 of the SRP72 gene, results from an A to C substitution at nucleotide position 1066. The lysine at codon 356 is replaced by glutamine, an amino acid with similar properties. This amino acid position is conserved. In addition, this alteration is predicted to be tolerated by in silico analysis. Based on the available evidence, the clinical significance of this variant remains unclear.